The following is an entry in ClinVar:

ClinVar aggregate classification (germline): Uncertain significance (1 of 4 stars; one submission).

Conditions:
Glycogen storage disease, type VII (GSD7). Also called: GSD VII; MUSCLE PHOSPHOFRUCTOKINASE DEFICIENCY; PFKM DEFICIENCY; TARUI DISEASE. Identifiers: Orphanet 371, MedGen C0017926, MONDO:0009295, OMIM 232800.

Submission:

Labcorp Genetics (formerly Invitae), Labcorp
Classification: Uncertain significance for Glycogen storage disease, type VII. Last evaluated: 2025-03-10. Review status: criteria provided, single submitter. Criteria: Invitae Variant Classification Sherloc (09022015). Collection method: clinical testing. Allele origin: germline.
Comment: This sequence change replaces tryptophan, which is neutral and slightly polar, with glycine, which is neutral and non-polar, at codon 239 of the PFKM protein (p.Trp239Gly). This variant is not present in population databases (gnomAD no frequency). This variant has not been reported in the literature in individuals affected with PFKM-related conditions. Invitae Evidence Modeling of protein sequence and biophysical properties (such as structural, functional, and spatial information, amino acid conservation, physicochemical variation, residue mobility, and thermodynamic stability) indicates that this missense variant is expected to disrupt PFKM protein function with a positive predictive value of 95%. In summary, the available evidence is currently insufficient to determine the role of this variant in disease. Therefore, it has been classified as a Variant of Uncertain Significance.

NM_000289.6(PFKM):c.715T>G (p.Trp239Gly)

Gene: PFKM (phosphofructokinase, muscle; plus strand). Cytogenetic location: 12q13.11.
Variant type: single nucleotide variant.
Coding change: c.715T>G on transcript NM_000289.6 (MANE Select); coding-DNA position 715, T replaced by G.
Protein change: p.Trp239Gly; replaces tryptophan 239 with glycine.
Molecular consequence: missense variant. On other transcripts: non-coding transcript variant (6).
Genome position (GRCh38, 1-based): chr12:48,134,797, T>G. VCF-style: chr12-48134797-T-G. GRCh37 (hg19) VCF-style: chr12-48528580-T-G.
Other names: c.715T>G, p.Trp239Gly (NM_001363619.2, NM_001166687.2, NM_001166688.2 and 4 more transcripts); c.928T>G, p.Trp310Gly (NM_001439058.1, NM_001166686.2, NM_001354737.1 and 2 more transcripts); c.1024T>G, p.Trp342Gly (NM_001354735.1, NM_001354736.1); c.859T>G, p.Trp287Gly (NM_001354740.1); c.739T>G, p.Trp247Gly (NM_001354741.2); c.628T>G, p.Trp210Gly (NM_001354745.2); c.565T>G, p.Trp189Gly (NM_001354747.2, NM_001354748.2); short protein forms W287G, W189G, W210G, W239G, W247G, W342G, W310G.
Identifiers: ClinVar variation 4737946 (VCV004737946.1).